The following is an entry in ClinVar:

NM_000426.4(LAMA2):c.1303C>T (p.Arg435Ter)

Gene: LAMA2 (laminin subunit alpha 2; plus strand). Cytogenetic location: 6q22.33.
Variant type: single nucleotide variant.
Coding change: c.1303C>T on transcript NM_000426.4 (MANE Select); coding-DNA position 1303, C replaced by T.
Protein change: p.Arg435Ter; replaces arginine 435 with a stop codon.
Molecular consequence: nonsense.
Genome position (GRCh38, 1-based): chr6:129,165,672, C>T. VCF-style: chr6-129165672-C-T. GRCh37 (hg19) VCF-style: chr6-129486817-C-T.
Other names: c.1303C>T, p.Arg435Ter (NM_001079823.2); short protein forms R435*.
Identifiers: ClinVar variation 235805 (VCV000235805.26), dbSNP rs773209126, ClinGen allele CA10581431.

ClinVar aggregate classification (germline): Pathogenic/Likely pathogenic. Review status: criteria provided, multiple submitters, no conflicts (2 of 4 stars). 9 submissions from 9 submitters: Pathogenic (5); Likely pathogenic (1). 3 of the submissions do not count toward it. Last evaluated 2025-10-02.

Conditions:
LAMA2-related muscular dystrophy (LAMA2-RD). Also called: Laminin alpha 2-related dystrophy. Identifiers: MedGen C5679788, MONDO:0100228.
Merosin deficient congenital muscular dystrophy (MDC1A). Also called: Congenital merosin-deficient muscular dystrophy 1A; Congenital Muscular Dystrophy Type 1A (MDC1A). Identifiers: Orphanet 258, MedGen C1263858, MONDO:0011925, OMIM 607855.
Muscular dystrophy, limb-girdle, autosomal recessive 23. Identifiers: Orphanet 565837, MedGen C4748327, MONDO:0029136, OMIM 618138.

Allele frequency attached by ClinVar (database versions not stated): gnomAD 0.00001; TOPMed 0.00001; gnomAD exomes 0.00002.
gnomAD v4.1: 34 of 1,595,748 alleles (0.0021%); highest among the groups gnomAD compares: Non-Finnish European, 0.0025%; no homozygotes.

Submissions (9):

Labcorp Genetics (formerly Invitae), Labcorp
Classification: Pathogenic for LAMA2-related muscular dystrophy. Last evaluated: 2025-10-02. Review status: criteria provided, single submitter. Criteria: Invitae Variant Classification Sherloc (09022015). Collection method: clinical testing. Allele origin: germline.
Comment: This sequence change creates a premature translational stop signal (p.Arg435*) in the LAMA2 gene. It is expected to result in an absent or disrupted protein product. Loss-of-function variants in LAMA2 are known to be pathogenic (PMID: 18700894, 32904964). This variant is present in population databases (rs773209126, gnomAD 0.003%). This premature translational stop signal has been observed in individuals with congenital muscular dystrophy (PMID: 20207543, 24611677, 28182637). ClinVar contains an entry for this variant (Variation ID: 235805). For these reasons, this variant has been classified as Pathogenic.

Baylor Genetics
Classification: Pathogenic for Merosin deficient congenital muscular dystrophy. Last evaluated: 2024-03-29. Review status: criteria provided, single submitter. Criteria: ACMG Guidelines, 2015. Collection method: clinical testing. Allele origin: unknown.

Genomic Medicine Center of Excellence, King Faisal Specialist Hospital and Research Centre
Classification: Pathogenic for Merosin deficient congenital muscular dystrophy. Last evaluated: 2024-03-17. Review status: criteria provided, single submitter. Criteria: ACMG Guidelines, 2015. Collection method: research. Allele origin: germline.

GeneDx
Classification: Pathogenic. Last evaluated: 2023-12-07. Review status: criteria provided, single submitter. Criteria: GeneDx Variant Classification Process June 2021. Collection method: clinical testing. Allele origin: germline. Affected: yes.
Comment: Nonsense variant predicted to result in protein truncation or nonsense mediated decay in a gene for which loss of function is a known mechanism of disease; Not observed at significant frequency in large population cohorts (gnomAD); This variant is associated with the following publications: (PMID: 25525159, 28182637, 32444167, 33558818, 31847883, 32904964, 20207543, 36374152, 30055037)

New York Genome Center
Classification: Likely pathogenic for Merosin deficient congenital muscular dystrophy; Muscular dystrophy, limb-girdle, autosomal recessive 23. Last evaluated: 2019-12-27. Review status: criteria provided, single submitter. Criteria: NYGC Assertion Criteria 2020. Collection method: clinical testing. Allele origin: germline. Observed: 1 heterozygote. Study: CSER-NYCKidSeq.

Center for Pediatric Genomic Medicine, Children's Mercy Hospital and Clinics
Classification: Pathogenic. Last evaluated: 2015-02-10. Review status: criteria provided, single submitter. Criteria: ACMG Guidelines, 2015. Collection method: clinical testing. Allele origin: germline.

Counsyl
Classification: Pathogenic for Merosin deficient congenital muscular dystrophy. Last evaluated: 2017-10-18. Review status: no assertion criteria provided. Collection method: clinical testing. Allele origin: unknown. Not counted in ClinVar's aggregate classification.

Diagnostic Laboratory, Department of Genetics, University Medical Center Groningen
Classification: Pathogenic. Review status: no assertion criteria provided. Collection method: clinical testing. Allele origin: germline. Affected: yes. Study: VKGL Data-share Consensus. Not counted in ClinVar's aggregate classification.

Joint Genome Diagnostic Labs from Nijmegen and Maastricht, Radboudumc and MUMC+
Classification: Pathogenic. Review status: no assertion criteria provided. Collection method: clinical testing. Allele origin: germline. Affected: yes. Study: VKGL Data-share Consensus. Not counted in ClinVar's aggregate classification.

Literature cited by the submitters: PubMed 18700894 (cited by Labcorp Genetics (formerly Invitae), Labcorp); PubMed 32904964 (cited by Labcorp Genetics (formerly Invitae), Labcorp); PubMed 20207543 (cited by Labcorp Genetics (formerly Invitae), Labcorp and Counsyl); PubMed 24611677 (cited by Labcorp Genetics (formerly Invitae), Labcorp); PubMed 28182637 (cited by Labcorp Genetics (formerly Invitae), Labcorp and Counsyl).